The following is an entry in ClinVar:

ClinVar aggregate classification (germline): Uncertain significance (1 of 4 stars; one submission).

Allele frequency attached by ClinVar (database versions not stated): gnomAD 0.00001.
gnomAD v4.1: 2 of 1,596,508 alleles (0.00013%); highest among the groups gnomAD compares: African/African-American, 0.0027%; no homozygotes.

Submission:

Labcorp Genetics (formerly Invitae), Labcorp
Classification: Uncertain significance. Last evaluated: 2023-02-10. Review status: criteria provided, single submitter. Criteria: Invitae Variant Classification Sherloc (09022015). Collection method: clinical testing. Allele origin: germline.
Comment: This sequence change replaces arginine, which is basic and polar, with leucine, which is neutral and non-polar, at codon 418 of the TAOK2 protein (p.Arg418Leu). This variant is not present in population databases (gnomAD no frequency). This variant has not been reported in the literature in individuals affected with TAOK2-related conditions. Algorithms developed to predict the effect of missense changes on protein structure and function (SIFT, PolyPhen-2, Align-GVGD) all suggest that this variant is likely to be tolerated. In summary, the available evidence is currently insufficient to determine the role of this variant in disease. Therefore, it has been classified as a Variant of Uncertain Significance.

NM_016151.4(TAOK2):c.1253G>T (p.Arg418Leu)

Gene: TAOK2 (TAO kinase 2; plus strand). Cytogenetic location: 16p11.2.
Variant type: single nucleotide variant.
Coding change: c.1253G>T on transcript NM_016151.4 (MANE Select); coding-DNA position 1253, G replaced by T.
Protein change: p.Arg418Leu; replaces arginine 418 with leucine.
Molecular consequence: missense variant.
Genome position (GRCh38, 1-based): chr16:29,983,325, G>T. VCF-style: chr16-29983325-G-T. GRCh37 (hg19) VCF-style: chr16-29994646-G-T.
Other names: c.1253G>T, p.Arg418Leu (NM_001252043.2, NM_004783.4); short protein forms R418L.
Identifiers: ClinVar variation 2956431 (VCV002956431.3), dbSNP rs772522310, ClinGen allele CA395481176.